The following is an entry in ClinVar:

ClinVar aggregate classification (germline): Likely benign. Review status: criteria provided, multiple submitters, no conflicts (2 of 4 stars). 2 submissions from 2 submitters: Likely benign (2). Last evaluated 2024-10-01.

Allele frequency attached by ClinVar (database versions not stated): gnomAD exomes 0.00022 and 0.00049; ExAC 0.00123; gnomAD 0.00233 and 0.00244; TOPMed 0.00252; 1000 Genomes Project 0.00260; ESP Exome Variant Server 0.00307; 1000 Genomes Project 30x 0.00328.
gnomAD v4.1: 661 of 1,542,638 alleles (0.043%); highest among the groups gnomAD compares: African/African-American, 0.78%; 4 homozygotes.

Submissions (2):

CeGaT Center for Human Genetics Tuebingen
Classification: Likely benign. Last evaluated: 2024-10-01. Review status: criteria provided, single submitter. Criteria: CeGaT Center For Human Genetics Tuebingen Variant Classification Criteria Version 2. Collection method: clinical testing. Allele origin: germline. Affected: yes. Observed: 3 variant alleles.
Comment: PIK3CD: BP4, BP7

Blueprint Genetics
Classification: Likely benign. Last evaluated: 2023-03-21. Review status: criteria provided, single submitter. Criteria: ACMG Guidelines, 2015. Collection method: clinical testing. Allele origin: germline.

NM_005026.5(PIK3CD):c.1471-25C>T

Gene: PIK3CD (phosphatidylinositol-4,5-bisphosphate 3-kinase catalytic subunit delta; plus strand). Cytogenetic location: 1p36.22.
Variant type: single nucleotide variant.
Coding change: c.1471-25C>T on transcript NM_005026.5 (MANE Select); 25 bases into the intron before coding-DNA position 1471, C replaced by T.
Molecular consequence: intron variant.
Genome position (GRCh38, 1-based): chr1:9,720,586, C>T. VCF-style: chr1-9720586-C-T. GRCh37 (hg19) VCF-style: chr1-9780644-C-T.
Other names: c.1471-25C>T (NM_001350234.2); c.1384-25C>T (NM_001350235.1).
Identifiers: ClinVar variation 1675342 (VCV001675342.34), dbSNP rs199637289, ClinGen allele CA577229.